The following is an entry in ClinVar:

ClinVar aggregate classification (germline): Uncertain significance (1 of 4 stars; one submission).

Submission:

Labcorp Genetics (formerly Invitae), Labcorp
Classification: Uncertain significance. Last evaluated: 2024-05-01. Review status: criteria provided, single submitter. Criteria: Invitae Variant Classification Sherloc (09022015). Collection method: clinical testing. Allele origin: germline.
Comment: This sequence change affects codon 171 of the OR2W3 mRNA. It is a 'silent' change, meaning that it does not change the encoded amino acid sequence of the OR2W3 protein. This variant is present in population databases (rs761569647, gnomAD 0.0009%). This variant has not been reported in the literature in individuals affected with OR2W3-related conditions. In summary, the available evidence is currently insufficient to determine the role of this variant in disease. Therefore, it has been classified as a Variant of Uncertain Significance.

NM_001001957.2(OR2W3):c.513C>T (p.His171=)

Gene: OR2W3 (olfactory receptor family 2 subfamily W member 3; plus strand). Cytogenetic location: 1q44.
Variant type: single nucleotide variant.
Coding change: c.513C>T on transcript NM_001001957.2 (MANE Select); coding-DNA position 513, C replaced by T.
Protein change: p.His171=; no amino-acid change (histidine 171 retained).
Molecular consequence: synonymous variant.
Genome position (GRCh38, 1-based): chr1:247,896,099, C>T. VCF-style: chr1-247896099-C-T. GRCh37 (hg19) VCF-style: chr1-248059401-C-T.
Identifiers: ClinVar variation 3607826 (VCV003607826.2).